The following is an entry in ClinVar:

NM_003647.3(DGKE):c.851G>A (p.Gly284Glu)

Gene: DGKE (diacylglycerol kinase epsilon; plus strand). Cytogenetic location: 17q22.
Variant type: single nucleotide variant.
Coding change: c.851G>A on transcript NM_003647.3 (MANE Select); coding-DNA position 851, G replaced by A.
Protein change: p.Gly284Glu; replaces glycine 284 with glutamic acid.
Molecular consequence: missense variant.
Genome position (GRCh38, 1-based): chr17:56,848,028, G>A. VCF-style: chr17-56848028-G-A. GRCh37 (hg19) VCF-style: chr17-54925389-G-A.
Other names: short protein forms G284E.
Identifiers: ClinVar variation 1297633 (VCV001297633.4), dbSNP rs1337950463, ClinGen allele CA399927417.

ClinVar aggregate classification (germline): Uncertain significance. Review status: criteria provided, single submitter (1 of 4 stars). 3 submissions from 3 submitters: Uncertain significance (1). 2 of the submissions do not count toward it. Last evaluated 2025-09-26.

Conditions:
Immunoglobulin-mediated membranoproliferative glomerulonephritis. Also called: NEPHROTIC SYNDROME, TYPE 7, WITH MEMBRANOPROLIFERATIVE GLOMERULONEPHRITIS; Nephrotic syndrome, type 7. Identifiers: Orphanet 329903, MedGen C3554330, MONDO:0014005, OMIM 615008.
Mesangiocapillary glomerulonephritis. Also called: Membranoproliferative glomerulonephritis. Identifiers: MedGen C0017662, MONDO:0002461, HP:0000793.

Allele frequency attached by ClinVar (database versions not stated): gnomAD 0.00001.
gnomAD v4.1: 3 of 1,594,922 alleles (0.00019%); highest among the groups gnomAD compares: Non-Finnish European, 0.00026%; no homozygotes.

Submissions (3):

Genomenon, Inc
Classification: Uncertain significance for Primary membranoproliferative glomerulonephritis. Last evaluated: 2025-09-26. Review status: criteria provided, single submitter. Criteria: Genomenon Sequence Variant Interpretation Standards - Updated. Collection method: curation. Allele origin: germline. Affected: no.
Comment: DGKE p.Gly284Glu (c.851G>A) is a missense variant that changes the amino acid at residue 284 from Glycine to Glutamic acid. This variant has been reported in the published literature (PMID:31263464). It is absent or not present at a significant frequency in gnomAD. In silico models agree that this variant is possibly or probably damaging. In conclusion, we classify DGKE p.Gly284Glu (c.851G>A) as a variant of uncertain significance.

Clinical Genetics DNA and cytogenetics Diagnostics Lab, Erasmus MC, Erasmus Medical Center
Classification: Uncertain significance. Review status: no assertion criteria provided. Collection method: clinical testing. Allele origin: germline. Affected: yes. Study: VKGL Data-share Consensus. Not counted in ClinVar's aggregate classification.

Joint Genome Diagnostic Labs from Nijmegen and Maastricht, Radboudumc and MUMC+
Classification: Uncertain significance. Review status: no assertion criteria provided. Collection method: clinical testing. Allele origin: germline. Affected: yes. Study: VKGL Data-share Consensus. Not counted in ClinVar's aggregate classification.

Literature cited by the submitters: PubMed 31263464 (cited by Genomenon, Inc).